The following is an entry in ClinVar:

NM_000138.5(FBN1):c.5066-1G>C

Gene: FBN1 (fibrillin 1; minus strand). Cytogenetic location: 15q21.1.
Variant type: single nucleotide variant.
Coding change: c.5066-1G>C on transcript NM_000138.5 (MANE Select); the canonical splice acceptor site of the intron before coding-DNA position 5066, G replaced by C.
Molecular consequence: splice acceptor variant.
Genome position (GRCh38, 1-based): chr15:48,463,241, C>G on the plus strand (G>C on the coding strand, the complement: FBN1 is on the minus strand). VCF-style: chr15-48463241-C-G. GRCh37 (hg19) VCF-style: chr15-48755438-C-G.
Other names: c.5066-1G>C (NM_001406716.1).
Identifiers: ClinVar variation 42378 (VCV000042378.4), dbSNP rs397515819, ClinGen allele CA015592.
Genomic context (GRCh38, chr15:48,463,241, plus strand): 5'-CTCCATCACAGGTCTGGTTGTCAGCATAGTAGTTTCTGTAGCACAAACTTCTTCTCATAT[C>G]TAGAAGGGAGGTAAAAAAAAGGATTGGAGGGTTGGTGATGCCATGTGGGAAATCACAACA-3'

ClinVar aggregate classification (germline): Pathogenic (1 of 4 stars; one submission).

Conditions:
Marfan syndrome (MFS). Also called: FBN1-Related Marfan Syndrome; Marfan syndrome, classic; MARFAN SYNDROME, TYPE I; Marfan syndrome type 1; Marfan's syndrome. Identifiers: Orphanet 284963, Orphanet 558, MedGen C0024796, MONDO:0007947, OMIM 154700.

Submission:

Laboratory for Molecular Medicine, Mass General Brigham Personalized Medicine
Classification: Pathogenic for Marfan syndrome. Last evaluated: 2012-03-01. Review status: criteria provided, single submitter. Criteria: LMM Criteria. Collection method: clinical testing. Allele origin: germline. Observed: 2 variant alleles.
Comment: This variant occurs in the invariant r egion (+/- 1/2) of the splice consensus sequence and is predicted to cause alter ed splicing leading to an abnormal or absent protein. Heterozygous loss of funct ion of the FBN1 gene is an established disease mechanism in Marfan syndrome. In summary, this variant meets our criteria to be classified as pathogenic.